The following is an entry in ClinVar:

ClinVar aggregate classification (germline): Uncertain significance. Review status: criteria provided, single submitter (1 of 4 stars). 2 submissions from 2 submitters: Uncertain significance (1). 1 of the submissions does not count toward it. Last evaluated 2026-03-01.

Conditions:
SCN3A-related disorder. Also called: SCN3A-related condition.

Submissions (2):

CeGaT Center for Human Genetics Tuebingen
Classification: Uncertain significance. Last evaluated: 2026-03-01. Review status: criteria provided, single submitter. Criteria: CeGaT Center For Human Genetics Tuebingen Variant Classification Criteria Version 2. Collection method: clinical testing. Allele origin: germline. Affected: yes. Observed: 1 variant allele.
Comment: SCN3A: PM2, PP3

PreventionGenetics, part of Exact Sciences
Classification: Uncertain significance for SCN3A-related condition. Last evaluated: 2024-04-04. Review status: no assertion criteria provided. Collection method: clinical testing. Allele origin: germline. Not counted in ClinVar's aggregate classification.
Comment: The SCN3A c.707T>C variant is predicted to result in the amino acid substitution p.Ile236Thr. To our knowledge, this variant has not been reported in the literature or in a large population database, indicating this variant is rare. At this time, the clinical significance of this variant is uncertain due to the absence of conclusive functional and genetic evidence.

NM_006922.4(SCN3A):c.707T>C (p.Ile236Thr)

Gene: SCN3A (sodium voltage-gated channel alpha subunit 3; minus strand). Cytogenetic location: 2q24.3.
Variant type: single nucleotide variant.
Coding change: c.707T>C on transcript NM_006922.4 (MANE Select); coding-DNA position 707, T replaced by C.
Protein change: p.Ile236Thr; replaces isoleucine 236 with threonine.
Molecular consequence: missense variant.
Genome position (GRCh38, 1-based): chr2:165,162,816, A>G on the plus strand (T>C on the coding strand, the complement: SCN3A is on the minus strand). VCF-style: chr2-165162816-A-G. GRCh37 (hg19) VCF-style: chr2-166019326-A-G.
Other names: c.707T>C, p.Ile236Thr (NM_001081676.2, NM_001081677.2); short protein forms I236T.
Identifiers: ClinVar variation 3352983 (VCV003352983.5).